The following is an entry in ClinVar:

NM_000553.6(WRN):c.1025T>A (p.Val342Asp)

Gene: WRN (WRN RecQ like helicase; plus strand). Cytogenetic location: 8p12.
Variant type: single nucleotide variant.
Coding change: c.1025T>A on transcript NM_000553.6 (MANE Select); coding-DNA position 1025, T replaced by A.
Protein change: p.Val342Asp; replaces valine 342 with aspartic acid.
Molecular consequence: missense variant.
Genome position (GRCh38, 1-based): chr8:31,081,052, T>A. VCF-style: chr8-31081052-T-A. GRCh37 (hg19) VCF-style: chr8-30938568-T-A.
Other names: short protein forms V342D.
Identifiers: ClinVar variation 2829345 (VCV002829345.3), dbSNP rs181033722, ClinGen allele CA370920307.

ClinVar aggregate classification (germline): Uncertain significance (1 of 4 stars; one submission).

Conditions:
Werner syndrome (WRN). Identifiers: Orphanet 902, MedGen C0043119, MONDO:0010196, OMIM 277700.

gnomAD v4.1: 1 of 1,613,972 alleles (0.000062%); highest among the groups gnomAD compares: South Asian, 0.0011%; no homozygotes.

Submission:

Labcorp Genetics (formerly Invitae), Labcorp
Classification: Uncertain significance for Werner syndrome. Last evaluated: 2023-01-16. Review status: criteria provided, single submitter. Criteria: Invitae Variant Classification Sherloc (09022015). Collection method: clinical testing. Allele origin: germline.
Comment: In summary, the available evidence is currently insufficient to determine the role of this variant in disease. Therefore, it has been classified as a Variant of Uncertain Significance. Algorithms developed to predict the effect of missense changes on protein structure and function are either unavailable or do not agree on the potential impact of this missense change (SIFT: "Not Available"; PolyPhen-2: "Benign"; Align-GVGD: "Not Available"). This variant has not been reported in the literature in individuals affected with WRN-related conditions. This variant is present in population databases (no rsID available, gnomAD 0.003%). This sequence change replaces valine, which is neutral and non-polar, with aspartic acid, which is acidic and polar, at codon 342 of the WRN protein (p.Val342Asp).